The following is an entry in ClinVar:

NM_014043.4(CHMP2B):c.*1503G>C

Gene: CHMP2B (charged multivesicular body protein 2B; plus strand). Cytogenetic location: 3p11.2.
Variant type: single nucleotide variant.
Coding change: c.*1503G>C on transcript NM_014043.4 (MANE Select); 1503 bases downstream of the stop codon, G replaced by C.
Molecular consequence: 3 prime UTR variant.
Genome position (GRCh38, 1-based): chr3:87,255,325, G>C. VCF-style: chr3-87255325-G-C. GRCh37 (hg19) VCF-style: chr3-87304475-G-C.
Other names: c.*1503G>C (NM_001244644.2).
Identifiers: ClinVar variation 346824 (VCV000346824.6), dbSNP rs1060238, ClinGen allele CA10619664.

ClinVar aggregate classification (germline): Benign (1 of 4 stars; one submission).

Conditions:
Frontotemporal dementia and/or amyotrophic lateral sclerosis 7 (FTDALS7). Also called: CHMP2B-Related Frontotemporal Dementia-Amyotrophic Lateral Sclerosis; CHMP2B-related frontotemporal dementia; AMYOTROPHIC LATERAL SCLEROSIS, CHMP2B-RELATED; Amyotrophic lateral sclerosis 17. Identifiers: Orphanet 275864, Orphanet 282, Orphanet 803, MedGen C1833296, MONDO:0010936, OMIM 600795.

Allele frequency attached by ClinVar (database versions not stated): 1000 Genomes Project 0.02756; 1000 Genomes Project 30x 0.02795; gnomAD exomes 0.03271; gnomAD 0.03367 and 0.03503; TOPMed 0.03485.
gnomAD v4.1: 5,098 of 152,482 alleles (3.3%); highest among the groups gnomAD compares: African/African-American, 6.5%; 123 homozygotes.

Submission:

Illumina Laboratory Services, Illumina
Classification: Benign for Frontotemporal dementia and/or amyotrophic lateral sclerosis 7. Last evaluated: 2018-01-13. Review status: criteria provided, single submitter. Criteria: ICSL Variant Classification Criteria 13 December 2019. Collection method: clinical testing. Allele origin: germline.
Comment: This variant was observed in the ICSL laboratory as part of a predisposition screen in an ostensibly healthy population. It had not been previously curated by ICSL or reported in the Human Gene Mutation Database (HGMD: prior to June 1st, 2018), and was therefore a candidate for classification through an automated scoring system. Utilizing variant allele frequency, disease prevalence and penetrance estimates, and inheritance mode, an automated score was calculated to assess if this variant is too frequent to cause the disease. Based on the score and internal cut-off values, a variant classified as benign is not then subjected to further curation. The score for this variant resulted in a classification of benign for this disease.